The following is an entry in ClinVar:

NM_004006.3(DMD):c.6152G>A (p.Arg2051Gln)

Gene: DMD (dystrophin; minus strand). Cytogenetic location: Xp21.1.
Variant type: single nucleotide variant.
Coding change: c.6152G>A on transcript NM_004006.3 (MANE Select); coding-DNA position 6152, G replaced by A.
Protein change: p.Arg2051Gln; replaces arginine 2051 with glutamine.
Molecular consequence: missense variant.
Genome position (GRCh38, 1-based): chrX:32,287,667, C>T on the plus strand (G>A on the coding strand, the complement: DMD is on the minus strand). VCF-style: chrX-32287667-C-T. GRCh37 (hg19) VCF-style: chrX-32305784-C-T.
Other names: c.6128G>A, p.Arg2043Gln (NM_000109.4); c.6140G>A, p.Arg2047Gln (NM_004009.3); c.5783G>A, p.Arg1928Gln (NM_004010.3); c.2129G>A, p.Arg710Gln (NM_004011.4); c.2120G>A, p.Arg707Gln (NM_004012.4); short protein forms R1928Q, R2043Q, R2047Q, R2051Q, R707Q, R710Q.
Identifiers: ClinVar variation 1301348 (VCV001301348.10), dbSNP rs756696562, ClinGen allele CA10378520.
Genomic context (GRCh38, chrX:32,287,667, plus strand): 5'-CTTTCCACAGGCGTTGCACTTTGCAATGCTGCTGTCTTCTTGCTATGAATAATGTCAATC[C>T]GACCTGAGCTTTGTTGTAGACTATCTTTTATATTCTGTAATATAAAAATTTTAAAACAGT-3'
Protein context (NP_003997.2, residues 2041-2061): IKDSLQQSSG[Arg2051Gln]IDIIHSKKTA

ClinVar aggregate classification (germline): Conflicting classifications of pathogenicity. Review status: criteria provided, conflicting classifications (1 of 4 stars). 4 submissions from 4 submitters: Uncertain significance (2); Likely benign (2). Last evaluated 2025-09-17.

Conditions:
Duchenne muscular dystrophy (DMD). Also called: MUSCULAR DYSTROPHY, PSEUDOHYPERTROPHIC PROGRESSIVE, DUCHENNE TYPE; Duchenne Muscular Dystrophy (DMD). Identifiers: Orphanet 98896, MedGen C0013264, MONDO:0010679, OMIM 310200.
Cardiovascular phenotype. Identifiers: MedGen CN230736.

Allele frequency attached by ClinVar (database versions not stated): gnomAD exomes below 0.00001 and 0.00001; ExAC 0.00001; gnomAD 0.00001; TOPMed 0.00002.
gnomAD v4.1: 7 of 1,206,250 alleles (0.00058%); highest among the groups gnomAD compares: East Asian, 0.015%; no homozygotes.

Submissions (5):

Ambry Genetics
Classification: Likely benign for Cardiovascular phenotype. Last evaluated: 2025-09-17. Review status: criteria provided, single submitter. Criteria: Ambry Variant Classification Scheme 2023. Collection method: clinical testing. Allele origin: germline.

Labcorp Genetics (formerly Invitae), Labcorp
Classification: Likely benign for Duchenne muscular dystrophy. Last evaluated: 2024-10-10. Review status: criteria provided, single submitter. Criteria: Invitae Variant Classification Sherloc (09022015). Collection method: clinical testing. Allele origin: germline.

Women's Health and Genetics/Laboratory Corporation of America, LabCorp
Classification: Uncertain significance. Last evaluated: 2021-09-26. Review status: criteria provided, single submitter. Criteria: LabCorp Variant Classification Summary - May 2015. Collection method: clinical testing. Allele origin: germline.
Comment: Variant summary: DMD c.6152G>A (p.Arg2051Gln) results in a conservative amino acid change in the encoded protein sequence. Five of five in-silico tools predict a benign effect of the variant on protein function. The variant allele was found at a frequency of 1.1e-05 in 181840 control chromosomes. The available data on variant occurrences in the general population are insufficient to allow any conclusion about variant significance. To our knowledge, no occurrence of c.6152G>A in individuals affected with Dystrophinopathies and no experimental evidence demonstrating its impact on protein function have been reported. No clinical diagnostic laboratories have submitted clinical-significance assessments for this variant to ClinVar after 2014. Based on the evidence outlined above, the variant was classified as uncertain significance.

Revvity Omics, Revvity
Classification: Uncertain significance. Last evaluated: 2020-12-04. Review status: criteria provided, single submitter. Criteria: ACMG Guidelines, 2015. Collection method: clinical testing. Allele origin: germline.

Dr. Peter K. Rogan Lab, Western University
No classification provided (evidence only). Condition: Nonpapillary renal cell carcinoma. Review status: no classification provided. Collection method: in vitro. Allele origin: not applicable. Functional consequence: retained intron. Not counted in ClinVar's aggregate classification.